The following is an entry in ClinVar:

NM_002335.4(LRP5):c.162G>C (p.Glu54Asp)

Gene: LRP5 (LDL receptor related protein 5; plus strand). Cytogenetic location: 11q13.2.
Variant type: single nucleotide variant.
Coding change: c.162G>C on transcript NM_002335.4 (MANE Select); coding-DNA position 162, G replaced by C.
Protein change: p.Glu54Asp; replaces glutamic acid 54 with aspartic acid.
Molecular consequence: missense variant. On other transcripts: 5 prime UTR variant (1).
Genome position (GRCh38, 1-based): chr11:68,347,917, G>C. VCF-style: chr11-68347917-G-C. GRCh37 (hg19) VCF-style: chr11-68115385-G-C.
Other names: c.-1604G>C (NM_001291902.2); short protein forms E54D.
Identifiers: ClinVar variation 1960258 (VCV001960258.5), dbSNP rs764736624, ClinGen allele CA6148924.

ClinVar aggregate classification (germline): Uncertain significance (1 of 4 stars; one submission).

Allele frequency attached by ClinVar (database versions not stated): TOPMed below 0.00001; ExAC 0.00003.
gnomAD v4.1: 29 of 1,613,638 alleles (0.0018%); highest among the groups gnomAD compares: Middle Eastern, 0.017%; no homozygotes.

Submission:

Labcorp Genetics (formerly Invitae), Labcorp
Classification: Uncertain significance. Last evaluated: 2024-03-19. Review status: criteria provided, single submitter. Criteria: Invitae Variant Classification Sherloc (09022015). Collection method: clinical testing. Allele origin: germline.
Comment: This sequence change replaces glutamic acid, which is acidic and polar, with aspartic acid, which is acidic and polar, at codon 54 of the LRP5 protein (p.Glu54Asp). This variant is present in population databases (rs764736624, gnomAD 0.003%). This variant has not been reported in the literature in individuals affected with LRP5-related conditions. ClinVar contains an entry for this variant (Variation ID: 1960258). Advanced modeling of protein sequence and biophysical properties (such as structural, functional, and spatial information, amino acid conservation, physicochemical variation, residue mobility, and thermodynamic stability) performed at Invitae indicates that this missense variant is not expected to disrupt LRP5 protein function with a negative predictive value of 95%. In summary, the available evidence is currently insufficient to determine the role of this variant in disease. Therefore, it has been classified as a Variant of Uncertain Significance.